The following is an entry in ClinVar:

NM_001277313.2(FMN1):c.2721T>G (p.Pro907=)

Gene: FMN1 (formin 1; minus strand). Cytogenetic location: 15q13.3.
Variant type: single nucleotide variant.
Coding change: c.2721T>G on transcript NM_001277313.2 (MANE Select); coding-DNA position 2721, T replaced by G.
Protein change: p.Pro907=; no amino-acid change (proline 907 retained).
Molecular consequence: synonymous variant.
Genome position (GRCh38, 1-based): chr15:32,968,980, A>C on the plus strand (T>G on the coding strand, the complement: FMN1 is on the minus strand). VCF-style: chr15-32968980-A-C. GRCh37 (hg19) VCF-style: chr15-33261181-A-C.
Other names: c.2052T>G, p.Pro684= (NM_001103184.4); c.2052T>G (NM_001103184.3).
Identifiers: ClinVar variation 2051286 (VCV002051286.6), dbSNP rs370803594, ClinGen allele CA7456884.
Genomic context (GRCh38, chr15:32,968,980, plus strand): 5'-TGGGGGTGGGGGTGGTGGAGGTCCAGCACTTGAAGGTGGAGGTAGAGGTGGCGGTGGAGG[A>C]GGCGGAGGTGGTAGCGGTGGCCCAGCACTCACAGGTGGCATTGGAGGTGCGGGAGACAAA-3'
Protein context (NP_001264242.1, residues 897-917): VSAGPPLPPP[Pro907=]PPPPPLPPPS

ClinVar aggregate classification (germline): Benign. Review status: criteria provided, single submitter (1 of 4 stars). 2 submissions from 2 submitters: Benign (1). 1 of the submissions does not count toward it. Last evaluated 2025-10-29.

Conditions:
FMN1-related disorder. Also called: FMN1-related condition.

Allele frequency attached by ClinVar (database versions not stated): TOPMed 0.00016; gnomAD exomes 0.00197; ExAC 0.00252; 1000 Genomes Project 30x 0.00593; 1000 Genomes Project 0.00639.
gnomAD v4.1: 1,769 of 974,116 alleles (0.18%); highest among the groups gnomAD compares: South Asian, 2.7%; 26 homozygotes.

Submissions (2):

Labcorp Genetics (formerly Invitae), Labcorp
Classification: Benign. Last evaluated: 2025-10-29. Review status: criteria provided, single submitter. Criteria: Invitae Variant Classification Sherloc (09022015). Collection method: clinical testing. Allele origin: germline.

PreventionGenetics, part of Exact Sciences
Classification: Likely benign for FMN1-related condition. Last evaluated: 2023-12-05. Review status: no assertion criteria provided. Collection method: clinical testing. Allele origin: germline. Not counted in ClinVar's aggregate classification.
Comment: This variant is classified as likely benign based on ACMG/AMP sequence variant interpretation guidelines (Richards et al. 2015 PMID: 25741868, with internal and published modifications).